The following is an entry in ClinVar:

NM_015215.4(CAMTA1):c.1947G>A (p.Thr649=)

Gene: CAMTA1 (calmodulin binding transcription activator 1; plus strand). Cytogenetic location: 1p36.23.
Variant type: single nucleotide variant.
Coding change: c.1947G>A on transcript NM_015215.4 (MANE Select); coding-DNA position 1947, G replaced by A.
Protein change: p.Thr649=; no amino-acid change (threonine 649 retained).
Molecular consequence: synonymous variant.
Genome position (GRCh38, 1-based): chr1:7,664,494, G>A. VCF-style: chr1-7664494-G-A. GRCh37 (hg19) VCF-style: chr1-7724554-G-A.
Other names: c.1857G>A, p.Thr619= (NM_001349608.2, NM_001349612.2); c.1947G>A, p.Thr649= (NM_001349609.2, NM_001349610.2, NM_001410737.1); c.1875G>A, p.Thr625= (NM_001410738.1).
Identifiers: ClinVar variation 3057460 (VCV003057460.10), dbSNP rs374599206, ClinGen allele CA566537.

ClinVar aggregate classification (germline): Likely benign. Review status: criteria provided, single submitter (1 of 4 stars). 2 submissions from 2 submitters: Likely benign (1). 1 of the submissions does not count toward it. Last evaluated 2026-02-01.

Conditions:
CAMTA1-related disorder. Also called: CAMTA1-related condition.

Allele frequency attached by ClinVar (database versions not stated): ExAC 0.00001; TOPMed 0.00003; gnomAD 0.00004; ESP Exome Variant Server 0.00008.
gnomAD v4.1: 83 of 1,613,138 alleles (0.0051%); highest among the groups gnomAD compares: Non-Finnish European, 0.0067%; no homozygotes.

Submissions (2):

CeGaT Center for Human Genetics Tuebingen
Classification: Likely benign. Last evaluated: 2026-02-01. Review status: criteria provided, single submitter. Criteria: CeGaT Center For Human Genetics Tuebingen Variant Classification Criteria Version 2. Collection method: clinical testing. Allele origin: germline. Affected: yes. Observed: 2 variant alleles.
Comment: CAMTA1: BP4, BP7

PreventionGenetics, part of Exact Sciences
Classification: Likely benign for CAMTA1-related condition. Last evaluated: 2019-03-07. Review status: no assertion criteria provided. Collection method: clinical testing. Allele origin: germline. Not counted in ClinVar's aggregate classification.
Comment: This variant is classified as likely benign based on ACMG/AMP sequence variant interpretation guidelines (Richards et al. 2015 PMID: 25741868, with internal and published modifications).